The following is an entry in ClinVar:

NM_003118.4(SPARC):c.204G>A (p.Ala68=)

Gene: SPARC (secreted protein acidic and cysteine rich; minus strand). Cytogenetic location: 5q33.1.
Variant type: single nucleotide variant.
Coding change: c.204G>A on transcript NM_003118.4 (MANE Select); coding-DNA position 204, G replaced by A.
Protein change: p.Ala68=; no amino-acid change (alanine 68 retained).
Molecular consequence: synonymous variant.
Genome position (GRCh38, 1-based): chr5:151,673,133, C>T on the plus strand (G>A on the coding strand, the complement: SPARC is on the minus strand). VCF-style: chr5-151673133-C-T. GRCh37 (hg19) VCF-style: chr5-151052694-C-T.
Other names: p.Ala68=; c.201G>A, p.Ala67= (NM_001309443.2); c.204G>A, p.Ala68= (NM_001309444.2).
Identifiers: ClinVar variation 726230 (VCV000726230.14), dbSNP rs143533525, ClinGen allele CA3522786.

ClinVar aggregate classification (germline): Benign/Likely benign. Review status: criteria provided, multiple submitters, no conflicts (2 of 4 stars). 6 submissions from 6 submitters: Benign (1); Likely benign (5). Last evaluated 2026-02-01.

Conditions:
SPARC-related disorder. Also called: SPARC-related condition.

Allele frequency attached by ClinVar (database versions not stated): TOPMed 0.00017; gnomAD 0.00018 and 0.00031; gnomAD exomes 0.00035 and 0.00058; 1000 Genomes Project 0.00040; 1000 Genomes Project 30x 0.00047; ExAC 0.00073.
gnomAD v4.1: 577 of 1,612,904 alleles (0.036%); highest among the groups gnomAD compares: South Asian, 0.36%; 2 homozygotes.

Submissions (6):

Labcorp Genetics (formerly Invitae), Labcorp
Classification: Benign. Last evaluated: 2026-02-01. Review status: criteria provided, single submitter. Criteria: Invitae Variant Classification Sherloc (09022015). Collection method: clinical testing. Allele origin: germline.

Mayo Clinic Laboratories, Mayo Clinic
Classification: Likely benign. Last evaluated: 2025-10-17. Review status: criteria provided, single submitter. Criteria: ACMG Guidelines, 2015. Collection method: clinical testing. Allele origin: germline. Observed: 2 variant alleles.
Comment: BP4, BP7

PreventionGenetics, part of Exact Sciences
Classification: Likely benign for SPARC-related condition. Last evaluated: 2024-12-27. Review status: criteria provided, single submitter. Criteria: ACMG Guidelines, 2015. Collection method: clinical testing. Allele origin: germline.
Comment: This variant is classified as likely benign based on ACMG/AMP sequence variant interpretation guidelines (Richards et al. 2015 PMID: 25741868, with internal and published modifications).

Blueprint Genetics
Classification: Likely benign. Last evaluated: 2024-11-22. Review status: criteria provided, single submitter. Criteria: ACMG Guidelines, 2015. Collection method: clinical testing. Allele origin: germline.

GeneDx
Classification: Likely benign. Last evaluated: 2019-10-09. Review status: criteria provided, single submitter. Criteria: GeneDx Variant Classification Process June 2021. Collection method: clinical testing. Allele origin: germline. Affected: yes.
Comment: This variant is associated with the following publications: (PMID: 21976959)

Breakthrough Genomics
Classification: Likely benign. Review status: criteria provided, single submitter. Criteria: ACMG Guidelines, 2015. Collection method: not provided. Allele origin: germline. Inheritance: Autosomal recessive inheritance. Affected: yes.